The following is an entry in ClinVar:

NM_000195.5(HPS1):c.317G>A (p.Arg106Gln)

Gene: HPS1 (HPS1 biogenesis of lysosomal organelles complex 3 subunit 1; minus strand). Cytogenetic location: 10q24.2.
Variant type: single nucleotide variant.
Coding change: c.317G>A on transcript NM_000195.5 (MANE Select); coding-DNA position 317, G replaced by A.
Protein change: p.Arg106Gln; replaces arginine 106 with glutamine.
Molecular consequence: missense variant. On other transcripts: 5 prime UTR variant (2), intron variant (7).
Genome position (GRCh38, 1-based): chr10:98,435,353, C>T on the plus strand (G>A on the coding strand, the complement: HPS1 is on the minus strand). VCF-style: chr10-98435353-C-T. GRCh37 (hg19) VCF-style: chr10-100195110-C-T.
Other names: c.-600G>A (NM_001311345.2); c.317G>A, p.Arg106Gln (NM_001322476.2, NM_001322477.2, NM_001322478.2 and 5 more transcripts); c.-699G>A (NM_001322487.2); c.29+282G>A (NM_001322483.2, NM_001322485.2, NM_001322484.2); c.255+282G>A (NM_001322480.2, NM_001322482.2, NM_001322481.2); c.-519+282G>A (NM_001322489.2); short protein forms R106Q.
Identifiers: ClinVar variation 2141603 (VCV002141603.2), dbSNP rs754669053, ClinGen allele CA5639432.

ClinVar aggregate classification (germline): Uncertain significance (1 of 4 stars; one submission).

Allele frequency attached by ClinVar (database versions not stated): TOPMed 0.00001; ExAC 0.00002; gnomAD 0.00002; gnomAD exomes 0.00003.

Submission:

Labcorp Genetics (formerly Invitae), Labcorp
Classification: Uncertain significance. Last evaluated: 2024-10-15. Review status: criteria provided, single submitter. Criteria: Invitae Variant Classification Sherloc (09022015). Collection method: clinical testing. Allele origin: germline.
Comment: This sequence change replaces arginine, which is basic and polar, with glutamine, which is neutral and polar, at codon 106 of the HPS1 protein (p.Arg106Gln). This variant is present in population databases (rs754669053, gnomAD 0.008%). This variant has not been reported in the literature in individuals affected with HPS1-related conditions. ClinVar contains an entry for this variant (Variation ID: 2141603). Invitae Evidence Modeling of protein sequence and biophysical properties (such as structural, functional, and spatial information, amino acid conservation, physicochemical variation, residue mobility, and thermodynamic stability) indicates that this missense variant is not expected to disrupt HPS1 protein function with a negative predictive value of 95%. This variant disrupts the p.Arg106 amino acid residue in HPS1. Other variant(s) that disrupt this residue have been determined to be pathogenic (PMID: 27593200). This suggests that this residue is clinically significant, and that variants that disrupt this residue are likely to be disease-causing. In summary, the available evidence is currently insufficient to determine the role of this variant in disease. Therefore, it has been classified as a Variant of Uncertain Significance.

Literature cited by the submitters: PubMed 27593200.